The following is an entry in ClinVar:

ClinVar aggregate classification (germline): Pathogenic/Likely pathogenic. Review status: criteria provided, multiple submitters, no conflicts (2 of 4 stars). 2 submissions from 2 submitters: Pathogenic (1); Likely pathogenic (1). Last evaluated 2026-02-11.

Conditions:
IFT74-related disorder. Also called: IFT74-related condition; IFT74-Related Disorders.

Allele frequency attached by ClinVar (database versions not stated): gnomAD exomes below 0.00001; gnomAD 0.00001; TOPMed 0.00002.

Submissions (2):

PreventionGenetics, part of Exact Sciences
Classification: Likely pathogenic for IFT74-related condition. Last evaluated: 2026-02-11. Review status: criteria provided, single submitter. Criteria: ACMG Guidelines, 2015. Collection method: clinical testing. Allele origin: germline.
Comment: The IFT74 c.1570delA variant is predicted to result in premature protein termination (p.Ile524*). To our knowledge, this variant has not been reported in the literature or in a large population database (gnomAD), indicating this variant is rare. Nonsense variants in IFT74 are expected to be pathogenic. This variant is interpreted as likely pathogenic.

Labcorp Genetics (formerly Invitae), Labcorp
Classification: Pathogenic. Last evaluated: 2024-12-26. Review status: criteria provided, single submitter. Criteria: Invitae Variant Classification Sherloc (09022015). Collection method: clinical testing. Allele origin: germline.
Comment: This sequence change creates a premature translational stop signal (p.Ile524*) in the IFT74 gene. It is expected to result in an absent or disrupted protein product. Loss-of-function variants in IFT74 are known to be pathogenic (PMID: 33531668). This variant is not present in population databases (gnomAD no frequency). This variant has not been reported in the literature in individuals affected with IFT74-related conditions. ClinVar contains an entry for this variant (Variation ID: 1455594). For these reasons, this variant has been classified as Pathogenic.

Literature cited by the submitters: PubMed 33531668 (cited by Labcorp Genetics (formerly Invitae), Labcorp).

NM_025103.4(IFT74):c.1570del (p.Asn523_Ile524insTer)

Gene: IFT74 (intraflagellar transport 74; plus strand). Cytogenetic location: 9p21.2.
Variant type: Deletion.
Coding change: c.1570del on transcript NM_025103.4 (MANE Select); coding-DNA position 1570, one base deleted (A; older notation c.1570delA).
Protein change: p.Asn523_Ile524insTer.
Molecular consequence: nonsense.
Genome position (GRCh38, 1-based): chr9:27,056,406, A deleted. VCF-style (leftmost placement, unchanged base first): chr9-27056405-CA-C. GRCh37 (hg19) VCF-style: chr9-27056403-CA-C.
Other names: c.1570delA (NM_025103.2); c.1570del, p.Asn523_Ile524insTer (NM_001099222.3, NM_001099223.3, NM_001349928.2).
Identifiers: ClinVar variation 1455594 (VCV001455594.7), dbSNP rs890375954, ClinGen allele CA191356325.